The following is an entry in ClinVar:

ClinVar aggregate classification (germline): Uncertain significance (1 of 4 stars; one submission).

Conditions:
Inborn genetic diseases. Identifiers: MedGen C0950123, MeSH D030342.

Submission:

Ambry Genetics
Classification: Uncertain significance for Inborn genetic diseases. Last evaluated: 2025-08-02. Review status: criteria provided, single submitter. Criteria: Ambry Variant Classification Scheme 2023. Collection method: clinical testing. Allele origin: germline.
Comment: The p.C1093R variant (also known as c.3277T>C), located in coding exon 13 of the ASXL1 gene, results from a T to C substitution at nucleotide position 3277. The cysteine at codon 1093 is replaced by arginine, an amino acid with highly dissimilar properties. This amino acid position is conserved. In addition, this alteration is predicted to be tolerated by in silico analysis. Based on the available evidence, the clinical significance of this variant remains unclear.

NM_015338.6(ASXL1):c.3277T>C (p.Cys1093Arg)

Gene: ASXL1 (ASXL transcriptional regulator 1; plus strand). Cytogenetic location: 20q11.21.
Variant type: single nucleotide variant.
Coding change: c.3277T>C on transcript NM_015338.6 (MANE Select); coding-DNA position 3277, T replaced by C.
Protein change: p.Cys1093Arg; replaces cysteine 1093 with arginine.
Molecular consequence: missense variant.
Genome position (GRCh38, 1-based): chr20:32,435,989, T>C. VCF-style: chr20-32435989-T-C. GRCh37 (hg19) VCF-style: chr20-31023792-T-C.
Other names: c.3094T>C, p.Cys1032Arg (NM_001363734.1); short protein forms C1032R, C1093R.
Identifiers: ClinVar variation 4158560 (VCV004158560.1).